The following is an entry in ClinVar:

NM_001384125.1(BLTP1):c.14230A>G (p.Met4744Val)

Gene: BLTP1 (bridge-like lipid transfer protein family member 1; plus strand). Cytogenetic location: 4q27.
Variant type: single nucleotide variant.
Coding change: c.14230A>G on transcript NM_001384125.1 (MANE Select); coding-DNA position 14230, A replaced by G.
Protein change: p.Met4744Val; replaces methionine 4744 with valine.
Molecular consequence: missense variant.
Genome position (GRCh38, 1-based): chr4:122,353,020, A>G. VCF-style: chr4-122353020-A-G. GRCh37 (hg19) VCF-style: chr4-123274175-A-G.
Other names: c.13966A>G, p.Met4656Val (NM_015312.4); short protein forms M4656V, M4744V.
Identifiers: ClinVar variation 1806031 (VCV001806031.2), dbSNP rs530924578, ClinGen allele CA3068309.

ClinVar aggregate classification (germline): Uncertain significance. Review status: criteria provided, multiple submitters, no conflicts (2 of 4 stars). 2 submissions from 2 submitters: Uncertain significance (2). Last evaluated 2025-12-10.

Conditions:
Alkuraya-Kucinskas syndrome. Identifiers: Orphanet 610569, MedGen C4693347, MONDO:0060631, OMIM 617822.

Allele frequency attached by ClinVar (database versions not stated): gnomAD exomes 0.00001; gnomAD 0.00002; TOPMed 0.00003; 1000 Genomes Project 30x 0.00016; 1000 Genomes Project 0.00020; ExAC 0.00002.
gnomAD v4.1: 16 of 1,614,086 alleles (0.00099%); highest among the groups gnomAD compares: African/African-American, 0.004%; no homozygotes.

Submissions (2):

Ambry Genetics
Classification: Uncertain significance. Last evaluated: 2025-12-10. Review status: criteria provided, single submitter. Criteria: Ambry Variant Classification Scheme 2023. Collection method: clinical testing. Allele origin: germline.

Victorian Clinical Genetics Services, Murdoch Childrens Research Institute
Classification: Uncertain significance for Alkuraya-Kucinskas syndrome. Last evaluated: 2020-05-21. Review status: criteria provided, single submitter. Criteria: ACMG Guidelines, 2015. Collection method: clinical testing. Allele origin: germline. Inheritance: Autosomal recessive inheritance. Affected: yes.
Comment: A heterozygous missense variant was identified, NM_015312.3(KIAA1109):c.13966A>G in exon 79 of 84 of the KIAA1109 gene. This substitution is predicted to create a minor amino acid change from methionine to valine at position 4656 of the protein, NP_056127.2(KIAA1109):p.(Met4656Val). The methionine at this position has very high conservation (100 vertebrates, UCSC), and is located within the FSA C super family domain (NCBI). In silico software predictions of the pathogenicity of this variant are conflicting (PolyPhen, SIFT, CADD, MutationTaster). The variant is present in the gnomAD population database at a frequency of 0.0016% (4 heterozygotes; 0 homozygotes). The variant has not previously been reported in clinical cases. Based on information available at the time of curation, this variant has been classified as a VARIANT of UNCERTAIN SIGNIFICANCE (VUS).